The following is an entry in ClinVar:

NM_002473.6(MYH9):c.2807C>T (p.Ala936Val)

Genes: MYH9 (myosin heavy chain 9; minus strand), LOC126863137 (CDK7 strongly-dependent group 2 enhancer GRCh37_chr22:36696002-36697201; plus strand). Cytogenetic location: 22q12.3.
Variant type: single nucleotide variant.
Coding change: c.2807C>T on transcript NM_002473.6 (MANE Select); coding-DNA position 2807, C replaced by T.
Protein change: p.Ala936Val; replaces alanine 936 with valine.
Molecular consequence: missense variant.
Genome position (GRCh38, 1-based): chr22:36,300,882, G>A on the plus strand (C>T on the coding strand, the complement: MYH9 is on the minus strand). VCF-style: chr22-36300882-G-A. GRCh37 (hg19) VCF-style: chr22-36696928-G-A.
Other names: short protein forms A936V.
Identifiers: ClinVar variation 1708863 (VCV001708863.5), dbSNP rs773227499, ClinGen allele CA10209873.

ClinVar aggregate classification (germline): Conflicting classifications of pathogenicity. Review status: criteria provided, conflicting classifications (1 of 4 stars). 2 submissions from 2 submitters: Uncertain significance (1); Benign (1). Last evaluated 2026-01-07.

Allele frequency attached by ClinVar (database versions not stated): gnomAD 0.00001; TOPMed 0.00002; ExAC 0.00005; gnomAD exomes 0.00003.
gnomAD v4.1: 43 of 1,603,972 alleles (0.0027%); highest among the groups gnomAD compares: South Asian, 0.033%; no homozygotes.

Submissions (2):

Labcorp Genetics (formerly Invitae), Labcorp
Classification: Benign. Last evaluated: 2026-01-07. Review status: criteria provided, single submitter. Criteria: Invitae Variant Classification Sherloc (09022015). Collection method: clinical testing. Allele origin: germline.

GeneDx
Classification: Uncertain significance. Last evaluated: 2022-04-05. Review status: criteria provided, single submitter. Criteria: GeneDx Variant Classification Process June 2021. Collection method: clinical testing. Allele origin: germline. Affected: yes.
Comment: In silico analysis supports that this missense variant does not alter protein structure/function; Has not been previously published as pathogenic or benign to our knowledge